The following is an entry in ClinVar:

NM_001256378.2(MCMBP):c.201A>G (p.Lys67=)

Gene: MCMBP (minichromosome maintenance complex binding protein; minus strand). Cytogenetic location: 10q26.11.
Variant type: single nucleotide variant.
Coding change: c.201A>G on transcript NM_001256378.2 (MANE Select); coding-DNA position 201, A replaced by G.
Protein change: p.Lys67=; no amino-acid change (lysine 67 retained).
Molecular consequence: synonymous variant. On other transcripts: 5 prime UTR variant (1).
Genome position (GRCh38, 1-based): chr10:119,859,125, T>C on the plus strand (A>G on the coding strand, the complement: MCMBP is on the minus strand). VCF-style: chr10-119859125-T-C. GRCh37 (hg19) VCF-style: chr10-121618637-T-C.
Other names: c.-288A>G (NM_001256379.2); c.201A>G, p.Lys67= (NM_024834.4).
Identifiers: ClinVar variation 2640881 (VCV002640881.24), dbSNP rs768606811, ClinGen allele CA5718080.

ClinVar aggregate classification (germline): Likely benign (1 of 4 stars; one submission).

Allele frequency attached by ClinVar (database versions not stated): gnomAD exomes 0.00001; TOPMed 0.00001; ExAC 0.00002; gnomAD 0.00002.

Submission:

CeGaT Center for Human Genetics Tuebingen
Classification: Likely benign. Last evaluated: 2022-12-01. Review status: criteria provided, single submitter. Criteria: CeGaT Center For Human Genetics Tuebingen Variant Classification Criteria Version 2. Collection method: clinical testing. Allele origin: germline. Affected: yes. Observed: 1 variant allele.
Comment: MCMBP: BP4, BP7